The following is an entry in ClinVar:

ClinVar aggregate classification (germline): Conflicting classifications of pathogenicity. Review status: criteria provided, conflicting classifications (1 of 4 stars). 7 submissions from 7 submitters: Pathogenic (2); Likely pathogenic (3); Uncertain significance (1). 1 of the submissions does not count toward it. Last evaluated 2026-03-12.

Conditions:
Dilated cardiomyopathy 1GG (CMD1GG). Identifiers: Orphanet 154, MedGen C3150898, MONDO:0013339, OMIM 613642.
Mitochondrial complex II deficiency, nuclear type 1. Also called: SUCCINATE CoQ REDUCTASE DEFICIENCY. Identifiers: Orphanet 3208, MedGen C5700310, MONDO:0100294, OMIM 252011.
Pheochromocytoma/paraganglioma syndrome 5. Also called: Paragangliomas 5; SDHA-Related Hereditary Paraganglioma-Pheochromocytoma Syndrome. Identifiers: Orphanet 29072, MedGen C3279992, MONDO:0013602, OMIM 614165.
Hereditary cancer-predisposing syndrome. Also called: Neoplastic Syndromes, Hereditary; Tumor predisposition; Hereditary neoplastic syndrome; Hereditary Cancer Syndrome. Identifiers: Orphanet 140162, MedGen C0027672, MeSH D009386, MONDO:0015356.

Allele frequency attached by ClinVar (database versions not stated): gnomAD exomes below 0.00001; ExAC 0.00001; gnomAD 0.00001; TOPMed 0.00001; ESP Exome Variant Server 0.00008.
gnomAD v4.1: 8 of 1,613,928 alleles (0.0005%); highest among the groups gnomAD compares: South Asian, 0.0022%; no homozygotes.

Submissions (7):

Myriad Genetics, Inc.
Classification: Likely pathogenic for Pheochromocytoma/paraganglioma syndrome 5. Last evaluated: 2026-03-12. Review status: criteria provided, single submitter. Criteria: Myriad Autosomal Dominant, Autosomal Recessive and X-Linked Classification Criteria (2023). Collection method: clinical testing. Allele origin: unknown.
Comment: This variant is considered likely pathogenic. Functional studies indicate this variant impacts protein function [PMID: 39321216]. This variant is expected to disrupt protein structure [Myriad internal data]. This variant has been reported in multiple individuals with clinical features of gene-specific disease [PMID: 29177515, 26700204, 36848172].

Labcorp Genetics (formerly Invitae), Labcorp
Classification: Pathogenic for Pheochromocytoma/paraganglioma syndrome 5; Mitochondrial complex II deficiency, nuclear type 1. Last evaluated: 2026-01-05. Review status: criteria provided, single submitter. Criteria: Invitae Variant Classification Sherloc (09022015). Collection method: clinical testing. Allele origin: germline.
Comment: This sequence change replaces arginine, which is basic and polar, with histidine, which is basic and polar, at codon 451 of the SDHA protein (p.Arg451His). This variant is present in population databases (rs370690436, gnomAD 0.0009%). This missense change has been observed in individuals with paraganglioma and pheochromocytoma (PMID: 26700204, 29177515; internal data). ClinVar contains an entry for this variant (Variation ID: 581412). Invitae Evidence Modeling of protein sequence and biophysical properties (such as structural, functional, and spatial information, amino acid conservation, physicochemical variation, residue mobility, and thermodynamic stability) has been performed for this missense variant. However, the output from this modeling did not meet the statistical confidence thresholds required to predict the impact of this variant on SDHA protein function. Experimental studies have shown that this missense change affects SDHA function (PMID: 28724664). For these reasons, this variant has been classified as Pathogenic.

Ambry Genetics
Classification: Pathogenic for Hereditary cancer-predisposing syndrome. Last evaluated: 2025-11-20. Review status: criteria provided, single submitter. Criteria: Ambry Variant Classification Scheme 2023. Collection method: clinical testing. Allele origin: germline.
Comment: The p.R451H pathogenic mutation (also known as c.1352G>A), located in coding exon 10 of the SDHA gene, results from a G to A substitution at nucleotide position 1352. The arginine at codon 451 is replaced by histidine, an amino acid with highly similar properties. This alteration has been observed in multiple individuals with a personal and/or family history that is consistent with SDHA-related disease (Toledo RA et al. Clin Cancer Res, 2016 05;22:2301-10; Bannon AE et al. Clin Cancer Res, 2017 Nov;23:6733-6743; van der Tuin K et al. J Clin Endocrinol Metab, 2018 02;103:438-445; Ambry internal data). In multiple assays testing SDHA function, this variant showed functionally abnormal results (Bannon AE et al. Clin Cancer Res, 2017 Nov;23:6733-6743; Kent JD et al. Clin Cancer Res, 2024 Dec;30:5399-5412). This amino acid position is highly conserved in available vertebrate species. In addition, this alteration is predicted to be deleterious by in silico analysis. Based on the supporting evidence, this variant is interpreted as a disease-causing mutation.

First Genomix Gene Laboratory, Genetic Diagnostics Department
Classification: Likely pathogenic for Dilated cardiomyopathy 1GG; Mitochondrial complex II deficiency, nuclear type 1. Last evaluated: 2025-04-30. Review status: criteria provided, single submitter. Criteria: ACMG Guidelines, 2015. Collection method: clinical testing. Allele origin: germline. Inheritance: Autosomal recessive inheritance. Affected: no. Observed: 1 variant allele.

3billion
Classification: Likely pathogenic for Mitochondrial complex II deficiency, nuclear type 1. Last evaluated: 2023-10-29. Review status: criteria provided, single submitter. Criteria: ACMG Guidelines, 2015. Collection method: clinical testing. Allele origin: germline. Affected: yes.
Comment: The variant is observed at an extremely low frequency in the gnomAD v2.1.1 dataset (total allele frequency: <0.001%). Predicted Consequence/Location: The majority of the known disease-causing variants of this gene are variants expected to result in premature termination of the protein. Premature termination of the protein is a common disease-causing mechanism for this gene. In silico tool predictions suggest damaging effect of the variant on gene or gene product [REVEL: 0.78 (>=0.6, sensitivity 0.68 and specificity 0.92); 3Cnet: 0.72 (>=0.6, sensitivity 0.72 and precision 0.9)]. Same nucleotide change resulting in same amino acid change has been previously reported as pathogenic/likely pathogenic with strong evidence (ClinVar ID: VCV000581412). Different missense changes at the same codon (p.Arg451Cys, p.Arg451Ser) have been reported as pathogenic/likely pathogenic (ClinVar ID: VCV000449389, VCV000969346 /PMID: 10976639 /3billion dataset). Therefore, this variant is classified as Likely pathogenic according to the recommendation of ACMG/AMP guideline.

Sema4
Classification: Uncertain significance for Hereditary cancer-predisposing syndrome. Last evaluated: 2021-05-03. Review status: criteria provided, single submitter. Criteria: Sema4 Curation Guidelines. Collection method: curation. Allele origin: germline.
Comment: The SDHA c.1352G>A (p.R451H) variant has been reported in at least two individuals with a paraganglioma, both diagnosed under age 35 (PMID: 26700204, 29177515). It was observed in 1/113456 chromosomes of the Non-Finnish European subpopulation in the large and broad cohorts of the Genome Aggregation Database. The variant has been reported in ClinVar (Variation ID 581412). In silico tools suggest the impact of the variant on protein function is deleterious, and functional studies in yeast suggest that this variant results in loss of SDHA function (PMID: 28724664). A different missense change affecting the same codon, p.R451C, has been reported in patients with optic atrophy, cardiac, and neurologic involvement. The variant has been reported in ClinVar (Variation ID 581412). Therefore, taking all available lines of evidence into consideration, the variant is classified as a variant of uncertain significance.

KTest Genetics, KTest
Classification: Likely pathogenic for Dilated cardiomyopathy 1GG. Review status: no assertion criteria provided. Criteria: ACMG Guidelines, 2015. Collection method: clinical testing. Allele origin: germline. Affected: yes. Not counted in ClinVar's aggregate classification.

Literature cited by the submitters: PubMed 39321216 (cited by Myriad Genetics, Inc. and Ambry Genetics); PubMed 29177515 (cited by 4 submitters); PubMed 26700204 (cited by 4 submitters); PubMed 36848172 (cited by Myriad Genetics, Inc.); PubMed 28724664 (cited by 3 submitters); PubMed 10976639 (cited by 3billion).

NM_004168.4(SDHA):c.1352G>A (p.Arg451His)

Gene: SDHA (succinate dehydrogenase complex flavoprotein subunit A; plus strand). Cytogenetic location: 5p15.33.
Variant type: single nucleotide variant.
Coding change: c.1352G>A on transcript NM_004168.4 (MANE Select); coding-DNA position 1352, G replaced by A.
Protein change: p.Arg451His; replaces arginine 451 with histidine.
Molecular consequence: missense variant.
Genome position (GRCh38, 1-based): chr5:236,519, G>A. VCF-style: chr5-236519-G-A. GRCh37 (hg19) VCF-style: chr5-236634-G-A.
Other names: c.1352G>A (NM_004168.2); c.1208G>A, p.Arg403His (NM_001294332.2); c.1352G>A, p.Arg451His (NM_001330758.2); short protein forms R451H, R403H.
Identifiers: ClinVar variation 581412 (VCV000581412.18), dbSNP rs370690436, ClinGen allele CA3173203.